The following is an entry in ClinVar:

ClinVar aggregate classification (germline): Uncertain significance (1 of 4 stars; one submission).

Allele frequency attached by ClinVar (database versions not stated): gnomAD exomes below 0.00001; TOPMed below 0.00001.
gnomAD v4.1: 2 of 1,613,954 alleles (0.00012%); highest among the groups gnomAD compares: Non-Finnish European, 0.00017%; no homozygotes.

Submission:

Labcorp Genetics (formerly Invitae), Labcorp
Classification: Uncertain significance. Last evaluated: 2021-08-30. Review status: criteria provided, single submitter. Criteria: Invitae Variant Classification Sherloc (09022015). Collection method: clinical testing. Allele origin: germline.
Comment: This sequence change replaces histidine with aspartic acid at codon 1237 of the CYFIP2 protein (p.His1237Asp). The histidine residue is highly conserved and there is a moderate physicochemical difference between histidine and aspartic acid. This variant is not present in population databases (ExAC no frequency). This missense change has been observed in individual(s) with clinical features of CYFIP2-related conditions (Invitae). Algorithms developed to predict the effect of missense changes on protein structure and function are either unavailable or do not agree on the potential impact of this missense change (SIFT: "Deleterious"; PolyPhen-2: "Not Available"; Align-GVGD: "Class C25"). In summary, the available evidence is currently insufficient to determine the role of this variant in disease. Therefore, it has been classified as a Variant of Uncertain Significance.

NM_001037333.3(CYFIP2):c.3709C>G (p.His1237Asp)

Genes: CYFIP2 (cytoplasmic FMR1 interacting protein 2; plus strand), NIPAL4-DT (NIPAL4 divergent transcript; minus strand). Cytogenetic location: 5q33.3.
Variant type: single nucleotide variant.
Coding change: c.3709C>G on transcript NM_001037333.3 (MANE Select); coding-DNA position 3709, C replaced by G.
Protein change: p.His1237Asp; replaces histidine 1237 with aspartic acid.
Molecular consequence: missense variant.
Genome position (GRCh38, 1-based): chr5:157,392,947, C>G. VCF-style: chr5-157392947-C-G. GRCh37 (hg19) VCF-style: chr5-156819955-C-G.
Other names: c.3631C>G, p.His1211Asp (NM_001291721.2); c.3784C>G, p.His1262Asp (NM_001291722.2); c.3709C>G, p.His1237Asp (NM_014376.4); short protein forms H1211D, H1237D, H1262D.
Identifiers: ClinVar variation 1378597 (VCV001378597.6), dbSNP rs952468007, ClinGen allele CA130183502.